The following is an entry in ClinVar:

ClinVar aggregate classification (germline): Uncertain significance (1 of 4 stars; one submission).

Allele frequency attached by ClinVar (database versions not stated): gnomAD exomes below 0.00001.
gnomAD v4.1: 1 of 1,614,124 alleles (0.000062%); highest among the groups gnomAD compares: Non-Finnish European, 0.000085%; no homozygotes.

Submission:

GeneDx
Classification: Uncertain significance. Last evaluated: 2023-01-30. Review status: criteria provided, single submitter. Criteria: GeneDx Variant Classification Process June 2021. Collection method: clinical testing. Allele origin: germline. Affected: yes.
Comment: Not observed at significant frequency in large population cohorts (gnomAD); In silico analysis supports that this missense variant has a deleterious effect on protein structure/function; Has not been previously published as pathogenic or benign to our knowledge

NM_001348323.3(TRIP12):c.16A>G (p.Asn6Asp)

Gene: TRIP12 (thyroid hormone receptor interactor 12; minus strand). Cytogenetic location: 2q36.3.
Variant type: single nucleotide variant.
Coding change: c.16A>G on transcript NM_001348323.3 (MANE Select); coding-DNA position 16, A replaced by G.
Protein change: p.Asn6Asp; replaces asparagine 6 with aspartic acid.
Molecular consequence: missense variant.
Genome position (GRCh38, 1-based): chr2:229,880,064, T>C on the plus strand (A>G on the coding strand, the complement: TRIP12 is on the minus strand). VCF-style: chr2-229880064-T-C. GRCh37 (hg19) VCF-style: chr2-230744780-T-C.
Other names: c.16A>G, p.Asn6Asp (NM_001284214.2, NM_001284215.2, NM_001284216.2 and 22 more transcripts); short protein forms N6D.
Identifiers: ClinVar variation 2574539 (VCV002574539.1), dbSNP rs2478494998, ClinGen allele CA350909331.